The following is an entry in ClinVar:

NM_000146.4(FTL):c.-164C>A

Gene: FTL (ferritin light chain; plus strand). Cytogenetic location: 19q13.33.
Variant type: single nucleotide variant.
Coding change: c.-164C>A on transcript NM_000146.4 (MANE Select); 164 bases upstream of the start codon, C replaced by A.
Molecular consequence: 5 prime UTR variant.
Genome position (GRCh38, 1-based): chr19:48,965,344, C>A. VCF-style: chr19-48965344-C-A. GRCh37 (hg19) VCF-style: chr19-49468601-C-A.
Other names: -164C-A.
Identifiers: ClinVar variation 16481 (VCV000016481.13), dbSNP rs398124637, ClinGen allele CA126556.
Genomic context (GRCh38, chr19:48,965,344, plus strand): 5'-GAAGCCGCCCTAGCCACGTCCCCTCGCAGTTCGGCGGTCCCGCGGGTCTGTCTCTTGCTT[C>A]AACAGTGTTTGGACGGAACAGATCCGGGGACTCTCTTCCAGCCTCCGACCGCCCTCCGAT-3'

ClinVar aggregate classification (germline): Pathogenic/Likely pathogenic. Review status: criteria provided, multiple submitters, no conflicts (2 of 4 stars). 4 submissions from 4 submitters: Pathogenic (1); Likely pathogenic (2). 1 of the submissions does not count toward it. Last evaluated 2025-03-13.

Conditions:
Neuroferritinopathy (NBIA3). Also called: BASAL GANGLIA DISEASE, ADULT-ONSET; NEURODEGENERATION WITH BRAIN IRON ACCUMULATION 3. Identifiers: Orphanet 157846, MedGen C1853578, MONDO:0011638, OMIM 606159.
Hereditary hyperferritinemia with congenital cataracts. Also called: HYPERFERRITINEMIA WITH OR WITHOUT CATARACT; Hereditary hyperferritinemia cataract syndrome; Bonneau-Beaumont syndrome. Identifiers: Orphanet 163, MedGen C1833213, MONDO:0010952, OMIM 600886.
Iron metabolism disorders.

Submissions (4):

North West Genomic Laboratory Hub, Manchester University NHS Foundation Trust
Classification: Likely pathogenic for Iron metabolism disorders. Last evaluated: 2025-03-13. Review status: criteria provided, single submitter. Criteria: ACGS Best Practice Guidelines for Variant Classification in Rare Disease 2024. Collection method: clinical testing. Allele origin: germline. Affected: yes.
Comment: PP4_Supp PM1_Mod PM2_Mod PS4_Supp

Labcorp Genetics (formerly Invitae), Labcorp
Classification: Pathogenic for Neuroferritinopathy; Hereditary hyperferritinemia with congenital cataracts. Last evaluated: 2024-10-24. Review status: criteria provided, single submitter. Criteria: Invitae Variant Classification Sherloc (09022015). Collection method: clinical testing. Allele origin: germline.
Comment: This variant occurs in a non-coding region of the FTL gene. It does not change the encoded amino acid sequence of the FTL protein. This variant is not present in population databases (gnomAD no frequency). This variant has been observed in individuals with clinical features of hereditary hyperferritinemia-cataract syndrome (PMID: 9414313; internal data). It has also been observed to segregate with disease in related individuals. This variant is also known as +36C>A. ClinVar contains an entry for this variant (Variation ID: 16481). Experimental studies and prediction algorithms are not available or were not evaluated, and the functional significance of this variant is currently unknown. This variant is located in a region of the FTL protein where a significant number of FTL frameshift mutations are have been reported in association with autosomal dominant neurodegeneration with brain iron accumulation (PMID: 36233161, 15099026, 11438811, 25832658). For these reasons, this variant has been classified as Pathogenic.

Clinical Genetics Laboratory, Region Ostergotland
Classification: Likely pathogenic for Hereditary hyperferritinemia with congenital cataracts. Last evaluated: 2024-09-17. Review status: criteria provided, single submitter. Criteria: ACMG Guidelines, 2015. Collection method: clinical testing. Allele origin: germline. Affected: yes.
Comment: The following ACMG criteria were applied in classifying this variant: PM2, PP4, PM1, PP1supp

OMIM
Classification: Pathogenic for HYPERFERRITINEMIA WITH OR WITHOUT CATARACT. Last evaluated: 2013-02-19. Review status: no assertion criteria provided. Collection method: literature only. Allele origin: germline. Not counted in ClinVar's aggregate classification.

Literature cited by the submitters: PubMed 9414313 (cited by Labcorp Genetics (formerly Invitae), Labcorp and OMIM); PubMed 36233161 (cited by Labcorp Genetics (formerly Invitae), Labcorp); PubMed 15099026 (cited by Labcorp Genetics (formerly Invitae), Labcorp); PubMed 11438811 (cited by Labcorp Genetics (formerly Invitae), Labcorp); PubMed 25832658 (cited by Labcorp Genetics (formerly Invitae), Labcorp); PubMed 23421845 (cited by OMIM).